The following is an entry in ClinVar:

ClinVar aggregate classification (germline): Pathogenic/Likely pathogenic. Review status: criteria provided, multiple submitters, no conflicts (2 of 4 stars). 2 submissions from 2 submitters: Pathogenic (1); Likely pathogenic (1). Last evaluated 2025-12-29.

Conditions:
Tremor, hereditary essential, 4 (ETM4). Identifiers: MedGen C3539195, MONDO:0013888, OMIM 614782.
Amyotrophic lateral sclerosis type 6. Also called: FUS-Related Amyotrophic Laterial Sclerosis; AMYOTROPHIC LATERAL SCLEROSIS 6 WITHOUT FRONTOTEMPORAL DEMENTIA; Amyotrophic lateral sclerosis 6, with or without frontotemporal dementia. Identifiers: Orphanet 275872, Orphanet 803, MedGen C2931786, MONDO:0011951, OMIM 608030.

Submissions (2):

Variantyx, Inc.
Classification: Likely pathogenic for Tremor, hereditary essential, 4. Last evaluated: 2025-12-29. Review status: criteria provided, single submitter. Criteria: Variantyx Assertion Criteria 2022. Collection method: clinical testing. Allele origin: germline. Inheritance: Autosomal dominant inheritance. Affected: yes.
Comment: This is a nonsense variant in the FUS gene (OMIM: 137070). Pathogenic variants in this gene have been associated with autosomal dominant hereditary essential tremor 4. This variant introduces a premature termination codon in exon 14 out of 15a nd is expected to result in loss of function, which is a known disease mechanism for FUS in this disorder (PMID: 22863194) (PVS1). Te alteration is absent from control populations (PM2), and it has not been reported in individuals with FUS-related disorders in the databases available for review. Based on the current evidence, this variant is classified as likely pathogenic for autosomal dominant hereditary essential tremor 4.

Labcorp Genetics (formerly Invitae), Labcorp
Classification: Pathogenic for Tremor, hereditary essential, 4; Amyotrophic lateral sclerosis type 6. Last evaluated: 2025-12-24. Review status: criteria provided, single submitter. Criteria: Invitae Variant Classification Sherloc (09022015). Collection method: clinical testing. Allele origin: germline.
Comment: This sequence change creates a premature translational stop signal (p.Arg481*) in the FUS gene. It is expected to result in an absent or disrupted protein product. Loss-of-function variants in FUS are known to be pathogenic (PMID: 20660363, 23217123). This variant is not present in population databases (gnomAD no frequency). This variant has not been reported in the literature in individuals affected with FUS-related conditions. For these reasons, this variant has been classified as Pathogenic.

Literature cited by the submitters: PubMed 20660363 (cited by Variantyx, Inc. and Labcorp Genetics (formerly Invitae), Labcorp); PubMed 23217123 (cited by Variantyx, Inc. and Labcorp Genetics (formerly Invitae), Labcorp).

NM_004960.4(FUS):c.1441C>T (p.Arg481Ter)

Gene: FUS (FUS RNA binding protein; plus strand). Cytogenetic location: 16p11.2.
Variant type: single nucleotide variant.
Coding change: c.1441C>T on transcript NM_004960.4 (MANE Select); coding-DNA position 1441, C replaced by T.
Protein change: p.Arg481Ter; replaces arginine 481 with a stop codon.
Molecular consequence: nonsense. On other transcripts: non-coding transcript variant (1).
Genome position (GRCh38, 1-based): chr16:31,191,010, C>T. VCF-style: chr16-31191010-C-T. GRCh37 (hg19) VCF-style: chr16-31202331-C-T.
Other names: c.1438C>T, p.Arg480Ter (NM_001170634.1); c.1429C>T, p.Arg477Ter (NM_001170937.1); short protein forms R481*, R480*, R477*.
Identifiers: ClinVar variation 4792377 (VCV004792377.2).